The following is an entry in ClinVar:

NM_000092.5(COL4A4):c.3061G>C (p.Gly1021Arg)

Gene: COL4A4 (collagen type IV alpha 4 chain; minus strand). Cytogenetic location: 2q36.3.
Variant type: single nucleotide variant.
Coding change: c.3061G>C on transcript NM_000092.5 (MANE Select); coding-DNA position 3061, G replaced by C.
Protein change: p.Gly1021Arg; replaces glycine 1021 with arginine.
Molecular consequence: missense variant.
Genome position (GRCh38, 1-based): chr2:227,051,066, C>G on the plus strand (G>C on the coding strand, the complement: COL4A4 is on the minus strand). VCF-style: chr2-227051066-C-G. GRCh37 (hg19) VCF-style: chr2-227915782-C-G.
Other names: short protein forms G1021R.
Identifiers: ClinVar variation 2808273 (VCV002808273.3), dbSNP rs1164069094, ClinGen allele CA350839107.

ClinVar aggregate classification (germline): Uncertain significance (1 of 4 stars; one submission).

Allele frequency attached by ClinVar (database versions not stated): TOPMed below 0.00001; gnomAD 0.00001.
gnomAD v4.1: 2 of 1,614,032 alleles (0.00012%); highest among the groups gnomAD compares: Non-Finnish European, 0.000085%; no homozygotes.

Submission:

Labcorp Genetics (formerly Invitae), Labcorp
Classification: Uncertain significance. Last evaluated: 2023-03-28. Review status: criteria provided, single submitter. Criteria: Invitae Variant Classification Sherloc (09022015). Collection method: clinical testing. Allele origin: germline.
Comment: Algorithms developed to predict the effect of sequence changes on RNA splicing suggest that this variant may disrupt the consensus splice site. In summary, the available evidence is currently insufficient to determine the role of this variant in disease. Therefore, it has been classified as a Variant of Uncertain Significance. Advanced modeling of protein sequence and biophysical properties (such as structural, functional, and spatial information, amino acid conservation, physicochemical variation, residue mobility, and thermodynamic stability) performed at Invitae indicates that this missense variant is expected to disrupt COL4A4 protein function. This variant has not been reported in the literature in individuals affected with COL4A4-related conditions. This variant is not present in population databases (gnomAD no frequency). This sequence change replaces glycine, which is neutral and non-polar, with arginine, which is basic and polar, at codon 1021 of the COL4A4 protein (p.Gly1021Arg).